The following is an entry in ClinVar:

NM_000465.4(BARD1):c.953A>G (p.Asn318Ser)

Gene: BARD1 (BRCA1 associated RING domain 1; minus strand). Cytogenetic location: 2q35.
Variant type: single nucleotide variant.
Coding change: c.953A>G on transcript NM_000465.4 (MANE Select); coding-DNA position 953, A replaced by G.
Protein change: p.Asn318Ser; replaces asparagine 318 with serine.
Molecular consequence: missense variant. On other transcripts: non-coding transcript variant (2), intron variant (3).
Genome position (GRCh38, 1-based): chr2:214,780,921, T>C on the plus strand (A>G on the coding strand, the complement: BARD1 is on the minus strand). VCF-style: chr2-214780921-T-C. GRCh37 (hg19) VCF-style: chr2-215645645-T-C.
Other names: c.896A>G, p.Asn299Ser (NM_001282543.2); c.159-28366A>G (NM_001282548.2); c.215+16140A>G (NM_001282545.2); c.364+11376A>G (NM_001282549.2); short protein forms N318S, N299S.
Identifiers: ClinVar variation 530164 (VCV000530164.10), dbSNP rs1553622328, ClinGen allele CA350454780.

ClinVar aggregate classification (germline): Uncertain significance. Review status: criteria provided, multiple submitters, no conflicts (2 of 4 stars). 2 submissions from 2 submitters: Uncertain significance (2). Last evaluated 2026-06-04.

Conditions:
Familial cancer of breast. Also called: Hereditary breast cancer; BREAST CANCER, FAMILIAL; hereditary breast carcinoma. Identifiers: Orphanet 227535, MedGen C0346153, MONDO:0016419, OMIM 114480. Disease mechanism: loss of function.

Submissions (2):

Helix
Classification: Uncertain significance for Familial cancer of breast. Last evaluated: 2026-06-04. Review status: criteria provided, single submitter. Criteria: ACMG Guidelines, 2015. Collection method: clinical testing. Allele origin: germline. Inheritance: Autosomal dominant inheritance.
Comment: This variant (NM_000465.4:c.953A>G p.Asn318Ser) results in the substitution of asparagine with serine at codon 318 in the BARD1 protein. It is a rare variant that is absent from the large gnomAD population database (v4.1). To our knowledge, this variant has not been reported in individuals with BARD1-related conditions in the published literature. In silico prediction from REVEL (PMID: 27666373) suggests that this variant may be benign. This variant is present in ClinVar (Accession: VCV000530164.9). In conclusion, since the available evidence is limited, the clinical significance of this variant is unclear at this time. Therefore, it is classified as a Variant of Uncertain Significance.

Labcorp Genetics (formerly Invitae), Labcorp
Classification: Uncertain significance for Familial cancer of breast. Last evaluated: 2024-04-30. Review status: criteria provided, single submitter. Criteria: Invitae Variant Classification Sherloc (09022015). Collection method: clinical testing. Allele origin: germline.
Comment: This sequence change replaces asparagine, which is neutral and polar, with serine, which is neutral and polar, at codon 318 of the BARD1 protein (p.Asn318Ser). This variant is not present in population databases (gnomAD no frequency). This variant has not been reported in the literature in individuals affected with BARD1-related conditions. ClinVar contains an entry for this variant (Variation ID: 530164). Algorithms developed to predict the effect of missense changes on protein structure and function output the following: SIFT: "Not Available"; PolyPhen-2: "Benign"; Align-GVGD: "Not Available". The serine amino acid residue is found in multiple mammalian species, which suggests that this missense change does not adversely affect protein function. In summary, the available evidence is currently insufficient to determine the role of this variant in disease. Therefore, it has been classified as a Variant of Uncertain Significance.